The following is an entry in ClinVar:

ClinVar aggregate classification (germline): Likely benign (1 of 4 stars; one submission).

Allele frequency attached by ClinVar (database versions not stated): gnomAD exomes 0.00005; gnomAD 0.00006; ExAC 0.00013; 1000 Genomes Project 0.00160.
gnomAD v4.1: 87 of 1,556,408 alleles (0.0056%); highest among the groups gnomAD compares: African/African-American, 0.011%; no homozygotes.

Submission:

CeGaT Center for Human Genetics Tuebingen
Classification: Likely benign. Last evaluated: 2022-07-01. Review status: criteria provided, single submitter. Criteria: CeGaT Center For Human Genetics Tuebingen Variant Classification Criteria Version 2. Collection method: clinical testing. Allele origin: germline. Affected: yes. Observed: 1 variant allele.
Comment: MN1: BP4, BP7

NM_002430.3(MN1):c.1605G>A (p.Gln535=)

Gene: MN1 (MN1 proto-oncogene, transcriptional regulator; minus strand). Cytogenetic location: 22q12.1.
Variant type: single nucleotide variant.
Coding change: c.1605G>A on transcript NM_002430.3 (MANE Select); coding-DNA position 1605, G replaced by A.
Protein change: p.Gln535=; no amino-acid change (glutamine 535 retained).
Molecular consequence: synonymous variant.
Genome position (GRCh38, 1-based): chr22:27,798,939, C>T on the plus strand (G>A on the coding strand, the complement: MN1 is on the minus strand). VCF-style: chr22-27798939-C-T. GRCh37 (hg19) VCF-style: chr22-28194927-C-T.
Identifiers: ClinVar variation 2653025 (VCV002653025.24), dbSNP rs570740760, ClinGen allele CA10166380.
Genomic context (GRCh38, chr22:27,798,939, plus strand): 5'-GGCCGCGTTTTGGCGCTGCTGCTGCTGCTGCTGTTGCTGTTGCTGTTGCTGCTGCTGCTG[C>T]TGCTGTTGCTGCTGCTGCTGCTGCTGCTGCTGCTGTTGCAGGGACTGGTGGTCCGGGGCC-3'
Protein context (NP_002421.3, residues 525-545): QQQQQQQQQQ[Gln535=]QQQQQQQQQQ